The following is an entry in ClinVar:

NM_006939.4(SOS2):c.419A>C (p.Asp140Ala)

Gene: SOS2 (SOS Ras/Rho guanine nucleotide exchange factor 2; minus strand). Cytogenetic location: 14q21.3.
Variant type: single nucleotide variant.
Coding change: c.419A>C on transcript NM_006939.4 (MANE Select); coding-DNA position 419, A replaced by C.
Protein change: p.Asp140Ala; replaces aspartic acid 140 with alanine.
Molecular consequence: missense variant.
Genome position (GRCh38, 1-based): chr14:50,199,782, T>G on the plus strand (A>C on the coding strand, the complement: SOS2 is on the minus strand). VCF-style: chr14-50199782-T-G. GRCh37 (hg19) VCF-style: chr14-50666500-T-G.
Other names: c.419A>C, p.Asp140Ala (NM_001411020.1); short protein forms D140A.
Identifiers: ClinVar variation 4841609 (VCV004841609.1).

ClinVar aggregate classification (germline): Uncertain significance (1 of 4 stars; one submission).

Conditions:
Cardiovascular phenotype. Identifiers: MedGen CN230736.

Submission:

Ambry Genetics
Classification: Uncertain significance for Cardiovascular phenotype. Last evaluated: 2025-12-21. Review status: criteria provided, single submitter. Criteria: Ambry Variant Classification Scheme 2023. Collection method: clinical testing. Allele origin: germline.
Comment: The p.D140A variant (also known as c.419A>C), located in coding exon 4 of the SOS2 gene, results from an A to C substitution at nucleotide position 419. The aspartic acid at codon 140 is replaced by alanine, an amino acid with dissimilar properties. This amino acid position is conserved. In addition, this alteration is predicted to be deleterious by in silico analysis. Based on the available evidence, the clinical significance of this variant remains unclear.